The following is an entry in ClinVar:

ClinVar aggregate classification (germline): Pathogenic (1 of 4 stars; one submission).

Conditions:
Mitochondrial DNA depletion syndrome 9 (MTDPS9). Also called: SUCLG1-Related Mitochondrial DNA Depletion Syndrome, Encephalomyopathic Form with Methylmalonic Aciduria. Identifiers: Orphanet 17, MedGen C3151476, MONDO:0009504, OMIM 245400.

gnomAD v4.1: 2 of 1,614,132 alleles (0.00012%); highest among the groups gnomAD compares: Non-Finnish European, 0.00017%; no homozygotes.

Submission:

Labcorp Genetics (formerly Invitae), Labcorp
Classification: Pathogenic for Mitochondrial DNA depletion syndrome 9. Last evaluated: 2025-06-29. Review status: criteria provided, single submitter. Criteria: Invitae Variant Classification Sherloc (09022015). Collection method: clinical testing. Allele origin: germline.
Comment: This sequence change creates a premature translational stop signal (p.Gln74*) in the SUCLG1 gene. It is expected to result in an absent or disrupted protein product. Loss-of-function variants in SUCLG1 are known to be pathogenic (PMID: 20693550). This variant is not present in population databases (gnomAD no frequency). This variant has not been reported in the literature in individuals affected with SUCLG1-related conditions. For these reasons, this variant has been classified as Pathogenic.

Literature cited by the submitters: PubMed 20693550.

NM_003849.4(SUCLG1):c.220C>T (p.Gln74Ter)

Gene: SUCLG1 (succinate-CoA ligase GDP/ADP-forming subunit alpha; minus strand). Cytogenetic location: 2p11.2.
Variant type: single nucleotide variant.
Coding change: c.220C>T on transcript NM_003849.4 (MANE Select); coding-DNA position 220, C replaced by T.
Protein change: p.Gln74Ter; replaces glutamine 74 with a stop codon.
Molecular consequence: nonsense.
Genome position (GRCh38, 1-based): chr2:84,443,382, G>A on the plus strand (C>T on the coding strand, the complement: SUCLG1 is on the minus strand). VCF-style: chr2-84443382-G-A. GRCh37 (hg19) VCF-style: chr2-84670506-G-A.
Other names: short protein forms Q74*.
Identifiers: ClinVar variation 4721624 (VCV004721624.1).